The following is an entry in ClinVar:

NM_000355.4(TCN2):c.1088A>G (p.His363Arg)

Gene: TCN2 (transcobalamin 2; plus strand). Cytogenetic location: 22q12.2.
Variant type: single nucleotide variant.
Coding change: c.1088A>G on transcript NM_000355.4 (MANE Select); coding-DNA position 1088, A replaced by G.
Protein change: p.His363Arg; replaces histidine 363 with arginine.
Molecular consequence: missense variant.
Genome position (GRCh38, 1-based): chr22:30,617,477, A>G. VCF-style: chr22-30617477-A-G. GRCh37 (hg19) VCF-style: chr22-31013464-A-G.
Other names: c.1007A>G, p.His336Arg (NM_001184726.2); short protein forms H363R, H336R.
Identifiers: ClinVar variation 2194192 (VCV002194192.1), dbSNP rs915080738, ClinGen allele CA323235260.

ClinVar aggregate classification (germline): Uncertain significance (1 of 4 stars; one submission).

Conditions:
Transcobalamin II deficiency (TCN2D). Also called: Transcolabamin II deficiency; TC II DEFICIENCY; TCN2 DEFICIENCY. Identifiers: Orphanet 859, MedGen C0342701, MONDO:0010149, OMIM 275350.

Allele frequency attached by ClinVar (database versions not stated): gnomAD 0.00001; TOPMed 0.00004.

Submission:

Labcorp Genetics (formerly Invitae), Labcorp
Classification: Uncertain significance for Transcobalamin II deficiency. Last evaluated: 2022-03-01. Review status: criteria provided, single submitter. Criteria: Invitae Variant Classification Sherloc (09022015). Collection method: clinical testing. Allele origin: germline.
Comment: This sequence change replaces histidine, which is basic and polar, with arginine, which is basic and polar, at codon 363 of the TCN2 protein (p.His363Arg). This variant is present in population databases (no rsID available, gnomAD 0.0009%). This variant has not been reported in the literature in individuals affected with TCN2-related conditions. Algorithms developed to predict the effect of missense changes on protein structure and function output the following: SIFT: "Tolerated"; PolyPhen-2: "Benign"; Align-GVGD: "Class C0". The arginine amino acid residue is found in multiple mammalian species, which suggests that this missense change does not adversely affect protein function. Algorithms developed to predict the effect of sequence changes on RNA splicing suggest that this variant may create or strengthen a splice site. In summary, the available evidence is currently insufficient to determine the role of this variant in disease. Therefore, it has been classified as a Variant of Uncertain Significance.